The following is an entry in ClinVar:

NM_000455.5(STK11):c.735-19C>T

Gene: STK11 (serine/threonine kinase 11; plus strand). Cytogenetic location: 19p13.3.
Variant type: single nucleotide variant.
Coding change: c.735-19C>T on transcript NM_000455.5 (MANE Select); 19 bases into the intron before coding-DNA position 735, C replaced by T.
Molecular consequence: intron variant.
Genome position (GRCh38, 1-based): chr19:1,221,194, C>T. VCF-style: chr19-1221194-C-T. GRCh37 (hg19) VCF-style: chr19-1221193-C-T.
Identifiers: ClinVar variation 371891 (VCV000371891.6), dbSNP rs1057517576, ClinGen allele CA16042182.

ClinVar aggregate classification (germline): Likely benign. Review status: criteria provided, multiple submitters, no conflicts (2 of 4 stars). 3 submissions from 3 submitters: Likely benign (2). 1 of the submissions does not count toward it. Last evaluated 2024-10-10.

Conditions:
Peutz-Jeghers syndrome (PJS). Also called: Peutz-Jeghers polyposis; Periorificial lentiginosis syndrome; POLYPOSIS, HAMARTOMATOUS INTESTINAL; POLYPS-AND-SPOTS SYNDROME. Identifiers: Orphanet 2869, MedGen C0031269, MeSH D010580, MONDO:0008280, OMIM 175200.

Allele frequency attached by ClinVar (database versions not stated): gnomAD exomes below 0.00001.
gnomAD v4.1: 2 of 1,610,972 alleles (0.00012%); highest among the groups gnomAD compares: East Asian, 0.0022%; no homozygotes.

Submissions (3):

Labcorp Genetics (formerly Invitae), Labcorp
Classification: Likely benign for Peutz-Jeghers syndrome. Last evaluated: 2024-10-10. Review status: criteria provided, single submitter. Criteria: Invitae Variant Classification Sherloc (09022015). Collection method: clinical testing. Allele origin: germline.

Myriad Genetics, Inc.
Classification: Likely benign for Peutz-Jeghers syndrome. Last evaluated: 2023-04-12. Review status: criteria provided, single submitter. Criteria: Myriad Autosomal Dominant, Autosomal Recessive and X-Linked Classification Criteria (2023). Collection method: clinical testing. Allele origin: unknown.
Comment: This variant is considered likely benign. This variant is intronic and is not expected to impact mRNA splicing.

Counsyl
Classification: Likely benign for Peutz-Jeghers syndrome. Last evaluated: 2016-07-20. Review status: no assertion criteria provided. Collection method: clinical testing. Allele origin: unknown. Not counted in ClinVar's aggregate classification.